The following is an entry in ClinVar:

NM_006623.4(PHGDH):c.709G>T (p.Gly237Ter)

Gene: PHGDH (phosphoglycerate dehydrogenase; plus strand). Cytogenetic location: 1p12.
Variant type: single nucleotide variant.
Coding change: c.709G>T on transcript NM_006623.4 (MANE Select); coding-DNA position 709, G replaced by T.
Protein change: p.Gly237Ter; replaces glycine 237 with a stop codon.
Molecular consequence: nonsense.
Genome position (GRCh38, 1-based): chr1:119,735,360, G>T. VCF-style: chr1-119735360-G-T. GRCh37 (hg19) VCF-style: chr1-120277983-G-T.
Other names: short protein forms G237*.
Identifiers: ClinVar variation 1456712 (VCV001456712.6), dbSNP rs1341545186, ClinGen allele CA341850173.

ClinVar aggregate classification (germline): Pathogenic (1 of 4 stars; one submission).

Conditions:
PHGDH deficiency. Identifiers: Orphanet 79351, MedGen C1866174, MONDO:0011152, OMIM 601815.

Submission:

Labcorp Genetics (formerly Invitae), Labcorp
Classification: Pathogenic for PHGDH deficiency. Last evaluated: 2021-08-24. Review status: criteria provided, single submitter. Criteria: Invitae Variant Classification Sherloc (09022015). Collection method: clinical testing. Allele origin: germline.
Comment: This variant has not been reported in the literature in individuals affected with PHGDH-related conditions. For these reasons, this variant has been classified as Pathogenic. This variant is not present in population databases (ExAC no frequency). This sequence change creates a premature translational stop signal (p.Gly237*) in the PHGDH gene. It is expected to result in an absent or disrupted protein product. Loss-of-function variants in PHGDH are known to be pathogenic (PMID: 14645240, 24836451).

Literature cited by the submitters: PubMed 14645240; PubMed 24836451.